The following is an entry in ClinVar:

ClinVar aggregate classification (germline): Uncertain significance (0 of 4 stars; one submission).

Conditions:
Prostate cancer. Also called: Malignant tumor of prostate. Identifiers: Orphanet 1331, MedGen C0376358, MONDO:0008315, HP:0012125.

Submission:

Science for Life laboratory,  Karolinska Institutet
Classification: Uncertain significance for Malignant tumor of prostate. Review status: no assertion criteria provided. Collection method: not provided. Allele origin: somatic.
Comment: TumorID:SWE-17
ClinVar note: Converted during submission from Unknown to Uncertain significance.

NM_004519.4(KCNQ3):c.1346A>T (p.Asn449Ile)

Gene: KCNQ3 (potassium voltage-gated channel subfamily Q member 3; minus strand). Cytogenetic location: 8q24.22.
Variant type: single nucleotide variant.
Coding change: c.1346A>T on transcript NM_004519.4 (MANE Select); coding-DNA position 1346, A replaced by T.
Protein change: p.Asn449Ile; replaces asparagine 449 with isoleucine.
Molecular consequence: missense variant.
Genome position (GRCh38, 1-based): chr8:132,141,248, T>A on the plus strand (A>T on the coding strand, the complement: KCNQ3 is on the minus strand). VCF-style: chr8-132141248-T-A. GRCh37 (hg19) VCF-style: chr8-133153495-T-A.
Other names: c.986A>T, p.Asn329Ile (NM_001204824.2); short protein forms N329I, N449I.
Identifiers: ClinVar variation 161570 (VCV000161570.2), dbSNP rs193920887, ClinGen allele CA174367.